The following is an entry in ClinVar:

ClinVar aggregate classification (germline): Uncertain significance (1 of 4 stars; one submission).

Conditions:
Pheochromocytoma. Also called: MAX-Related Hereditary Paraganglioma-Pheochromocytoma Syndrome. Identifiers: Orphanet 29072, MedGen C0031511, MONDO:0008233, OMIM 171300, HP:0002666.
Pheochromocytoma/paraganglioma syndrome 4. Also called: CAROTID BODY TUMORS AND MULTIPLE EXTRAADRENAL PHEOCHROMOCYTOMAS; PARAGANGLIOMA, FAMILIAL MALIGNANT; PARAGANGLIOMAS, HEREDITARY EXTRAADRENAL; PHEOCHROMOCYTOMA, FAMILIAL EXTRAADRENAL; Paragangliomas 4; SDHB-Related Hereditary Paraganglioma-Pheochromocytoma Syndrome (Paragangliomas 4). Identifiers: Orphanet 29072, MedGen C1861848, MONDO:0007273, OMIM 115310.
Gastrointestinal stromal tumor. Also called: Gastrointestinal stroma tumor; Gastrointestinal stromal tumor, somatic. Identifiers: Orphanet 44890, MedGen C0238198, MeSH D046152, MONDO:0011719, OMIM 606764, HP:0100723.

Submission:

Labcorp Genetics (formerly Invitae), Labcorp
Classification: Uncertain significance for Gastrointestinal stromal tumor; Pheochromocytoma/paraganglioma syndrome 4; Pheochromocytoma. Last evaluated: 2023-05-31. Review status: criteria provided, single submitter. Criteria: Invitae Variant Classification Sherloc (09022015). Collection method: clinical testing. Allele origin: germline.
Comment: This sequence change replaces glycine, which is neutral and non-polar, with arginine, which is basic and polar, at codon 96 of the SDHB protein (p.Gly96Arg). This variant also falls at the last nucleotide of exon 3, which is part of the consensus splice site for this exon. This variant is not present in population databases (gnomAD no frequency). This variant has not been reported in the literature in individuals affected with SDHB-related conditions. An algorithm developed to predict the effect of missense changes on protein structure and function (PolyPhen-2) suggests that this variant is likely to be disruptive. Variants that disrupt the consensus splice site are a relatively common cause of aberrant splicing (PMID: 17576681, 9536098). Algorithms developed to predict the effect of sequence changes on RNA splicing suggest that this variant may disrupt the consensus splice site. In summary, the available evidence is currently insufficient to determine the role of this variant in disease. Therefore, it has been classified as a Variant of Uncertain Significance. This variant disrupts the c.286G nucleotide in the SDHB gene. Other variant(s) that disrupt this nucleotide have been determined to be pathogenic (PMID: 2308387, 19802898, 24436918, 28374168). This suggests that this nucleotide is clinically significant, and that variants that disrupt this position are likely to be disease-causing.

Literature cited by the submitters: PubMed 17576681; PubMed 9536098; PubMed 2308387; PubMed 19802898; PubMed 24436918; PubMed 28374168.

NM_003000.3(SDHB):c.286G>C (p.Gly96Arg)

Gene: SDHB (succinate dehydrogenase complex iron sulfur subunit B; minus strand). Cytogenetic location: 1p36.13.
Variant type: single nucleotide variant.
Coding change: c.286G>C on transcript NM_003000.3 (MANE Select); coding-DNA position 286, G replaced by C.
Protein change: p.Gly96Arg; replaces glycine 96 with arginine.
Molecular consequence: missense variant.
Genome position (GRCh38, 1-based): chr1:17,033,060, C>G on the plus strand (G>C on the coding strand, the complement: SDHB is on the minus strand). VCF-style: chr1-17033060-C-G. GRCh37 (hg19) VCF-style: chr1-17359555-C-G.
Other names: c.286G>C, p.Gly96Arg (NM_001407361.1); short protein forms G96R.
Identifiers: ClinVar variation 2948406 (VCV002948406.3), dbSNP rs587782243, ClinGen allele CA338276380.